The following is an entry in ClinVar:

ClinVar aggregate classification (germline): Pathogenic (1 of 4 stars; one submission).

Conditions:
Myoclonic dystonia 11 (DYT11). Also called: DYT-SGCE; Myoclonic dystonia; Dystonia 11; Dystonia, alcohol responsive; Hereditary essential myoclonus; SGCE Myoclonus-Dystonia. Identifiers: Orphanet 36899, MedGen C1834570, MONDO:0008044, OMIM 159900.

Submission:

Labcorp Genetics (formerly Invitae), Labcorp
Classification: Pathogenic for Myoclonic dystonia 11. Last evaluated: 2021-12-22. Review status: criteria provided, single submitter. Criteria: Invitae Variant Classification Sherloc (09022015). Collection method: clinical testing. Allele origin: germline.
Comment: This sequence change creates a premature translational stop signal (p.Thr403Argfs*4) in the SGCE gene. It is expected to result in an absent or disrupted protein product. Loss-of-function variants in SGCE are known to be pathogenic (PMID: 12821748, 15389977, 17853490, 24297365). This variant is not present in population databases (gnomAD no frequency). This variant has not been reported in the literature in individuals affected with SGCE-related conditions. For these reasons, this variant has been classified as Pathogenic.

Literature cited by the submitters: PubMed 12821748; PubMed 15389977; PubMed 17853490; PubMed 24297365.

NM_003919.3(SGCE):c.1208_1209del (p.Thr403fs)

Genes: CASD1 (CAS1 domain sialic acid O acetyltransferase 1; plus strand), SGCE (sarcoglycan epsilon; minus strand). Cytogenetic location: 7q21.3.
Variant type: Microsatellite.
Coding change: c.1208_1209del on transcript NM_003919.3 (MANE Select); coding-DNA positions 1208 to 1209, 2 bases deleted (CA; older notation c.1208_1209delCA).
Protein change: p.Thr403fs; shifts the reading frame from threonine 403.
Molecular consequence: frameshift variant.
Genome position (GRCh38, 1-based): chr7:94,598,819-94,598,820, TG deleted on the plus strand (CA on the coding strand, the reverse complement: SGCE is on the minus strand); deleting any 2 consecutive bases within chr7:94,598,819-94,598,825 gives the same sequence; the c. name uses the placement nearest the transcript's 3' end. VCF-style (leftmost placement, unchanged base first): chr7-94598818-CTG-C. GRCh37 (hg19) VCF-style: chr7-94228130-CTG-C.
Other names: c.1181_1182del, p.Thr394fs (NM_001099400.2, NM_001346717.2); c.1208_1209del, p.Thr403fs (NM_001099401.2); c.1085_1086del, p.Thr362fs (NM_001301139.2); c.1316_1317del, p.Thr439fs (NM_001346713.2); c.1289_1290del, p.Thr430fs (NM_001346715.2); c.1121_1122del, p.Thr374fs (NM_001346719.2); c.935_936del, p.Thr312fs (NM_001346720.2); c.1094_1095del, p.Thr365fs (NM_001362807.2); and 2 more; short protein forms T303fs, T312fs, T353fs, T362fs, T365fs, T374fs, T394fs, T403fs.
Identifiers: ClinVar variation 2414229 (VCV002414229.6), dbSNP rs1798791092, ClinGen allele CA1726844670.